The following is an entry in ClinVar:

NM_000268.4(NF2):c.601G>A (p.Asp201Asn)

Gene: NF2 (NF2, moesin-ezrin-radixin like (MERLIN) tumor suppressor; plus strand). Cytogenetic location: 22q12.2.
Variant type: single nucleotide variant.
Coding change: c.601G>A on transcript NM_000268.4 (MANE Select); coding-DNA position 601, G replaced by A.
Protein change: p.Asp201Asn; replaces aspartic acid 201 with asparagine.
Molecular consequence: missense variant. On other transcripts: intron variant (1).
Genome position (GRCh38, 1-based): chr22:29,658,190, G>A. VCF-style: chr22-29658190-G-A. GRCh37 (hg19) VCF-style: chr22-30054179-G-A.
Other names: c.487G>A, p.Asp163Asn (NM_001407053.1, NM_001407056.1); c.478G>A, p.Asp160Asn (NM_001407054.1, NM_001407058.1, NM_001407062.1 and 1 more transcripts); c.475G>A, p.Asp159Asn (NM_001407055.1, NM_181828.3); c.601G>A, p.Asp201Asn (NM_001407057.1, NM_001407059.1, NM_001407060.1 and 4 more transcripts); c.352G>A, p.Asp118Asn (NM_001407063.1, NM_001407064.1, NM_181830.3 and 1 more transcripts); c.67G>A, p.Asp23Asn (NM_001407065.1); c.370G>A, p.Asp124Asn (NM_001407067.1); c.447+15905G>A (NM_181833.3); short protein forms D201N, D118N, D124N, D159N, D160N, D163N, D23N.
Identifiers: ClinVar variation 2913130 (VCV002913130.4), dbSNP rs2066370972, ClinGen allele CA411142960.

ClinVar aggregate classification (germline): Uncertain significance. Review status: criteria provided, multiple submitters, no conflicts (2 of 4 stars). 2 submissions from 2 submitters: Uncertain significance (2). Last evaluated 2025-12-19.

Conditions:
Hereditary cancer-predisposing syndrome. Also called: Hereditary neoplastic syndrome; Neoplastic Syndromes, Hereditary; Tumor predisposition; Hereditary Cancer Syndrome. Identifiers: Orphanet 140162, MedGen C0027672, MeSH D009386, MONDO:0015356.
Neurofibromatosis, type 2 (SWNV). Also called: NF2-Related Schwannomatosis; BILATERAL ACOUSTIC NEUROFIBROMATOSIS; SCHWANNOMATOSIS, VESTIBULAR. Identifiers: Orphanet 637, MedGen C0027832, MONDO:0007039, OMIM 101000. Disease mechanism: loss of function.

Submissions (2):

Ambry Genetics
Classification: Uncertain significance for Hereditary cancer-predisposing syndrome. Last evaluated: 2025-12-19. Review status: criteria provided, single submitter. Criteria: Ambry Variant Classification Scheme 2023. Collection method: clinical testing. Allele origin: germline.
Comment: The p.D201N variant (also known as c.601G>A), located in coding exon 7 of the NF2 gene, results from a G to A substitution at nucleotide position 601. The aspartic acid at codon 201 is replaced by asparagine, an amino acid with highly similar properties. This amino acid position is highly conserved in available vertebrate species. In addition, this alteration is predicted to be tolerated by in silico analysis. Based on the available evidence, the clinical significance of this variant remains unclear.

Labcorp Genetics (formerly Invitae), Labcorp
Classification: Uncertain significance for Neurofibromatosis, type 2. Last evaluated: 2023-10-10. Review status: criteria provided, single submitter. Criteria: Invitae Variant Classification Sherloc (09022015). Collection method: clinical testing. Allele origin: germline.
Comment: This sequence change replaces aspartic acid, which is acidic and polar, with asparagine, which is neutral and polar, at codon 201 of the NF2 protein (p.Asp201Asn). This variant is not present in population databases (gnomAD no frequency). This variant has not been reported in the literature in individuals affected with NF2-related conditions. An algorithm developed to predict the effect of missense changes on protein structure and function (PolyPhen-2) suggests that this variant is likely to be disruptive. In summary, the available evidence is currently insufficient to determine the role of this variant in disease. Therefore, it has been classified as a Variant of Uncertain Significance.